The following is an entry in ClinVar:

ClinVar aggregate classification (germline): Uncertain significance (1 of 4 stars; one submission).

Conditions:
Perlman syndrome (PRLMNS). Identifiers: Orphanet 2849, MedGen C0796113, MONDO:0009965, OMIM 267000.

Allele frequency attached by ClinVar (database versions not stated): gnomAD 0.00001; TOPMed 0.00001.
gnomAD v4.1: 2 of 1,550,588 alleles (0.00013%); highest among the groups gnomAD compares: African/African-American, 0.0027%; no homozygotes.

Submission:

Labcorp Genetics (formerly Invitae), Labcorp
Classification: Uncertain significance for Perlman syndrome. Last evaluated: 2023-08-30. Review status: criteria provided, single submitter. Criteria: Invitae Variant Classification Sherloc (09022015). Collection method: clinical testing. Allele origin: germline.
Comment: In summary, the available evidence is currently insufficient to determine the role of this variant in disease. Therefore, it has been classified as a Variant of Uncertain Significance. Advanced modeling of protein sequence and biophysical properties (such as structural, functional, and spatial information, amino acid conservation, physicochemical variation, residue mobility, and thermodynamic stability) performed at Invitae indicates that this missense variant is not expected to disrupt DIS3L2 protein function. ClinVar contains an entry for this variant (Variation ID: 1015482). This variant has not been reported in the literature in individuals affected with DIS3L2-related conditions. This variant is not present in population databases (gnomAD no frequency). This sequence change replaces glutamic acid, which is acidic and polar, with aspartic acid, which is acidic and polar, at codon 826 of the DIS3L2 protein (p.Glu826Asp).

NM_152383.5(DIS3L2):c.2478G>T (p.Glu826Asp)

Gene: DIS3L2 (DIS3 like 3'-5' exoribonuclease 2; plus strand). Cytogenetic location: 2q37.1.
Variant type: single nucleotide variant.
Coding change: c.2478G>T on transcript NM_152383.5 (MANE Select); coding-DNA position 2478, G replaced by T.
Protein change: p.Glu826Asp; replaces glutamic acid 826 with aspartic acid.
Molecular consequence: missense variant. On other transcripts: non-coding transcript variant (2), intron variant (1).
Genome position (GRCh38, 1-based): chr2:232,335,856, G>T. VCF-style: chr2-232335856-G-T. GRCh37 (hg19) VCF-style: chr2-233200566-G-T.
Other names: c.1582-7489G>T (NM_001257281.2); short protein forms E826D.
Identifiers: ClinVar variation 1015482 (VCV001015482.8), dbSNP rs1329169462, ClinGen allele CA350978318.
Genomic context (GRCh38, chr2:232,335,856, plus strand): 5'-CTTCCAGAAGGTGGGCAAGAAGCCGGAACTCACGCTGGTCTGGGAGCCTGAGGACATGGA[G>T]CAGGAGCCAGCACAGCAGGTCAGAACCCCTCTGTGTCCCAGCCCCCTAAGTCCTGATGAC-3'
Protein context (NP_689596.4, residues 816-836): LTLVWEPEDM[Glu826Asp]QEPAQQVITI